The following is an entry in ClinVar:

ClinVar aggregate classification (germline): Pathogenic (1 of 4 stars; one submission).

Conditions:
Schwannomatosis (SWNTS1). Identifiers: Orphanet 93921, MedGen C1335929, MeSH C536641, MONDO:0008075.

Submission:

Women's Health and Genetics/Laboratory Corporation of America, LabCorp
Classification: Pathogenic for Schwannomatosis. Last evaluated: 2024-11-05. Review status: criteria provided, single submitter. Criteria: LabCorp Variant Classification Summary - May 2015. Collection method: clinical testing. Allele origin: germline.
Comment: Variant summary: The variant involves the deletion of exons 1-21 in the LZTR1 gene. A presumed nomenclature of c.(?_-76)_(*1685_?)del has been designated for the purposes of this classification. This deletion includes the entire coding sequence of the gene. As the exact proximal and distal breakpoints are unknown, it may extend beyond the annotated region of the gene to include other flanking genes. A deletion that includes LZTR1 as well as flanking genes was found at a frequency of 4.6e-05 in 21694 control chromosomes. A similar deletion of LZTR1 has been reported in the literature in at least one individual affected with Schwannomatosis (Louvrier_2018). The following publication has been ascertained in the context of this evaluation (PMID: 29409008). ClinVar contains an entry for this variant (Variation ID: 1072827). Germline loss of function mutations in LZTR1 have been reported to predispose to an inherited disorder of multiple schwannomas (Piotrowski_2014) and recessive Noonan syndrome (Johnston_2018). Based on the evidence outlined above, the variant was classified as pathogenic for the risk of multiple schwannomas and recessive Noonan syndrome.

Literature cited by the submitters: PubMed 29409008.

NC_000022.10:g.(?_21336585)_(21353322_?)del

Gene: LZTR1 (leucine zipper like post translational regulator 1; plus strand). Cytogenetic location: 22q11.21.
Variant type: Deletion.
Identifiers: ClinVar variation 3629816 (VCV003629816.1).